The following is an entry in ClinVar:

NM_000179.3(MSH6):c.502G>C (p.Ala168Pro)

Gene: MSH6 (mutS homolog 6; plus strand). Cytogenetic location: 2p16.3.
Variant type: single nucleotide variant.
Coding change: c.502G>C on transcript NM_000179.3 (MANE Select); coding-DNA position 502, G replaced by C.
Protein change: p.Ala168Pro; replaces alanine 168 with proline.
Molecular consequence: missense variant. On other transcripts: 5 prime UTR variant (1), intron variant (2).
Genome position (GRCh38, 1-based): chr2:47,795,938, G>C. VCF-style: chr2-47795938-G-C. GRCh37 (hg19) VCF-style: chr2-48023077-G-C.
Other names: c.-401G>C (NM_001281494.2); c.-279-2673G>C (NM_001281493.2); c.238-2673G>C (NM_001281492.2); c.502G>C (NM_000179.2); short protein forms A168P.
Identifiers: ClinVar variation 1015876 (VCV001015876.10), dbSNP rs1333393611, ClinGen allele CA346738652.

ClinVar aggregate classification (germline): Conflicting classifications of pathogenicity. Review status: criteria provided, conflicting classifications (1 of 4 stars). 2 submissions from 2 submitters: Uncertain significance (1); Benign (1). Last evaluated 2024-08-04.

Conditions:
Hereditary nonpolyposis colorectal neoplasms. Identifiers: MedGen C0009405, MeSH D003123.
Hereditary cancer-predisposing syndrome. Also called: Hereditary Cancer Syndrome; Tumor predisposition; Neoplastic Syndromes, Hereditary; Hereditary neoplastic syndrome. Identifiers: Orphanet 140162, MedGen C0027672, MeSH D009386, MONDO:0015356.

Allele frequency attached by ClinVar (database versions not stated): gnomAD exomes 0.00001.
gnomAD v4.1: 2 of 1,614,104 alleles (0.00012%); highest among the groups gnomAD compares: East Asian, 0.0045%; no homozygotes.

Submissions (2):

Labcorp Genetics (formerly Invitae), Labcorp
Classification: Benign for Hereditary nonpolyposis colorectal neoplasms. Last evaluated: 2024-08-04. Review status: criteria provided, single submitter. Criteria: Invitae Variant Classification Sherloc (09022015). Collection method: clinical testing. Allele origin: germline.

Ambry Genetics
Classification: Uncertain significance for Hereditary cancer-predisposing syndrome. Last evaluated: 2023-11-09. Review status: criteria provided, single submitter. Criteria: Ambry Variant Classification Scheme 2023. Collection method: clinical testing. Allele origin: germline.
Comment: The p.A168P variant (also known as c.502G>C), located in coding exon 3 of the MSH6 gene, results from a G to C substitution at nucleotide position 502. The alanine at codon 168 is replaced by proline, an amino acid with highly similar properties. This amino acid position is conserved. In addition, this alteration is predicted to be tolerated by in silico analysis. Since supporting evidence is limited at this time, the clinical significance of this alteration remains unclear.